The following is an entry in ClinVar:

NM_001323289.2(CDKL5):c.1404C>G (p.Ser468Arg)

Gene: CDKL5 (cyclin dependent kinase like 5; plus strand). Cytogenetic location: Xp22.13.
Variant type: single nucleotide variant.
Coding change: c.1404C>G on transcript NM_001323289.2 (MANE Select); coding-DNA position 1404, C replaced by G.
Protein change: p.Ser468Arg; replaces serine 468 with arginine.
Molecular consequence: missense variant.
Genome position (GRCh38, 1-based): chrX:18,604,328, C>G. VCF-style: chrX-18604328-C-G. GRCh37 (hg19) VCF-style: chrX-18622448-C-G.
Other names: c.1404C>G, p.Ser468Arg (NM_001037343.2, NM_003159.3); c.1404C>G (NM_003159.2); short protein forms S468R.
Identifiers: ClinVar variation 1026357 (VCV001026357.13), dbSNP rs1926278693, ClinGen allele CA412360760.

ClinVar aggregate classification (germline): Uncertain significance. Review status: criteria provided, multiple submitters, no conflicts (2 of 4 stars). 2 submissions from 2 submitters: Uncertain significance (2). Last evaluated 2024-04-08.

Conditions:
Angelman syndrome-like. Identifiers: MedGen CN128785.
Developmental and epileptic encephalopathy, 2 (DEE2). Also called: INFANTILE SPASM SYNDROME, X-LINKED 2; CDKL5 deficiency disorder. Identifiers: Orphanet 1934, Orphanet 3451, Orphanet 505652, MedGen C4750718, MONDO:0010396, OMIM 300672.

Allele frequency attached by ClinVar (database versions not stated): TOPMed below 0.00001.

Submissions (2):

GeneDx
Classification: Uncertain significance. Last evaluated: 2024-04-08. Review status: criteria provided, single submitter. Criteria: GeneDx Variant Classification Process June 2021. Collection method: clinical testing. Allele origin: germline. Affected: yes.
Comment: Not observed at significant frequency in large population cohorts (gnomAD); In silico analysis indicates that this missense variant does not alter protein structure/function; Has not been previously published as pathogenic or benign to our knowledge

Labcorp Genetics (formerly Invitae), Labcorp
Classification: Uncertain significance for Developmental and epileptic encephalopathy, 2; Angelman syndrome-like. Last evaluated: 2022-02-04. Review status: criteria provided, single submitter. Criteria: Invitae Variant Classification Sherloc (09022015). Collection method: clinical testing. Allele origin: germline.
Comment: Advanced modeling of protein sequence and biophysical properties (such as structural, functional, and spatial information, amino acid conservation, physicochemical variation, residue mobility, and thermodynamic stability) performed at Invitae indicates that this missense variant is not expected to disrupt CDKL5 protein function. ClinVar contains an entry for this variant (Variation ID: 1026357). This variant has not been reported in the literature in individuals affected with CDKL5-related conditions. This variant is not present in population databases (gnomAD no frequency). This sequence change replaces serine, which is neutral and polar, with arginine, which is basic and polar, at codon 468 of the CDKL5 protein (p.Ser468Arg). Algorithms developed to predict the effect of sequence changes on RNA splicing suggest that this variant may create or strengthen a splice site. In summary, the available evidence is currently insufficient to determine the role of this variant in disease. Therefore, it has been classified as a Variant of Uncertain Significance.